The following is an entry in ClinVar:

ClinVar aggregate classification (germline): Pathogenic (1 of 4 stars; one submission).

Conditions:
Menkes kinky-hair syndrome (MNK). Also called: Classic Menkes Disease; Copper transport disease; Menkes Disease. Identifiers: Orphanet 565, MedGen C0022716, MONDO:0010651, OMIM 309400.

Submission:

Victorian Clinical Genetics Services, Murdoch Childrens Research Institute
Classification: Pathogenic for Menkes kinky-hair syndrome. Last evaluated: 2023-07-17. Review status: criteria provided, single submitter. Criteria: ACMG Guidelines, 2015. Collection method: clinical testing. Allele origin: germline. Inheritance: X-linked recessive inheritance.
Comment: Based on the classification scheme VCGS_Germline_v1.3.4, this variant is classified as Pathogenic. Following criteria are met: 0102 - Loss of function is a known mechanism of disease in this gene and is associated with Menkes disease (MIM#309400), Occipital horn syndrome (MIM#304150) and distal spinal muscular atrophy 3 (MIM#300489). The genotype-phenotype correlation is dependent on amount of residual ATPase activity, while distal spinal muscular atrophy 3 (MIM#300489) is due to abnormal protein trafficking (GeneReviews). (I) 0109 - This gene is associated with X-linked recessive disease. However, affected female heterozygotes and compound heterozygotes with Menkes disease (MIM#309400) have been reported (PMID: 25428120). (I) 0115 - Variants in this gene are known to have variable expressivity. Intra-familial variability has been noted for Menkes disease (MIM#309400) and inter-familial observed for distal spinal muscular atrophy 3 (MIM#300489) (GeneReviews). (I) 0201 - Variant is predicted to cause nonsense-mediated decay (NMD) and loss of protein (premature termination codon is located at least 54 nucleotides upstream of the final exon-exon junction). (SP) 0251 - This variant is heterozygous. (I) 0301 - Variant is absent from gnomAD (both v2 and v3). (SP) 0701 - Other variants predicted to cause NMD comparable to the one identified in this case have very strong previous evidence for pathogenicity (DECIPHER). (SP) 0807 - This variant has no previous evidence of pathogenicity. (I) 0905 - No published segregation evidence has been identified for this variant. (I) 1007 - No published functional evidence has been identified for this variant. (I) 1208 - Inheritance information for this variant is not currently available in this individual. (I) Legend: (SP) - Supporting pathogenic, (I) - Information, (SB) - Supporting benign

Literature cited by the submitters: PubMed 25428120.

NM_000052.7(ATP7A):c.1016C>A (p.Ser339Ter)

Gene: ATP7A (ATPase copper transporting alpha; plus strand). Cytogenetic location: Xq21.1.
Variant type: single nucleotide variant.
Coding change: c.1016C>A on transcript NM_000052.7 (MANE Select); coding-DNA position 1016, C replaced by A.
Protein change: p.Ser339Ter; replaces serine 339 with a stop codon.
Molecular consequence: nonsense.
Genome position (GRCh38, 1-based): chrX:77,989,638, C>A. VCF-style: chrX-77989638-C-A. GRCh37 (hg19) VCF-style: chrX-77245134-C-A.
Other names: c.1016C>A, p.Ser339Ter (NM_001282224.2); short protein forms S339*.
Identifiers: ClinVar variation 3254711 (VCV003254711.1), dbSNP rs2522294291.